The following is an entry in ClinVar:

ClinVar aggregate classification (germline): Uncertain significance (1 of 4 stars; one submission).

Conditions:
Inborn genetic diseases. Identifiers: MedGen C0950123, MeSH D030342.

Submission:

Ambry Genetics
Classification: Uncertain significance for Inborn genetic diseases. Last evaluated: 2025-04-11. Review status: criteria provided, single submitter. Criteria: Ambry Variant Classification Scheme 2023. Collection method: clinical testing. Allele origin: germline.
Comment: The p.Q1316R variant (also known as c.3947A>G), located in coding exon 1 of the SAMD9L gene, results from an A to G substitution at nucleotide position 3947. The glutamine at codon 1316 is replaced by arginine, an amino acid with highly similar properties. This amino acid position is conserved. In addition, this alteration is predicted to be tolerated by in silico analysis. Based on the available evidence, the clinical significance of this variant remains unclear.

NM_152703.5(SAMD9L):c.3947A>G (p.Gln1316Arg)

Gene: SAMD9L (sterile alpha motif domain containing 9 like; minus strand). Cytogenetic location: 7q21.2.
Variant type: single nucleotide variant.
Coding change: c.3947A>G on transcript NM_152703.5 (MANE Select); coding-DNA position 3947, A replaced by G.
Protein change: p.Gln1316Arg; replaces glutamine 1316 with arginine.
Molecular consequence: missense variant.
Genome position (GRCh38, 1-based): chr7:93,132,025, T>C on the plus strand (A>G on the coding strand, the complement: SAMD9L is on the minus strand). VCF-style: chr7-93132025-T-C. GRCh37 (hg19) VCF-style: chr7-92761338-T-C.
Other names: c.3947A>G, p.Gln1316Arg (NM_001303496.3, NM_001303497.3, NM_001303498.3 and 5 more transcripts); short protein forms Q1316R.
Identifiers: ClinVar variation 3949823 (VCV003949823.1).